The following is an entry in ClinVar:

ClinVar aggregate classification (germline): Uncertain significance (1 of 4 stars; one submission).

Allele frequency attached by ClinVar (database versions not stated): TOPMed below 0.00001; gnomAD exomes 0.00001.
gnomAD v4.1: 9 of 1,614,198 alleles (0.00056%); highest among the groups gnomAD compares: Non-Finnish European, 0.00076%; no homozygotes.

Submission:

Labcorp Genetics (formerly Invitae), Labcorp
Classification: Uncertain significance. Last evaluated: 2025-09-22. Review status: criteria provided, single submitter. Criteria: Invitae Variant Classification Sherloc (09022015). Collection method: clinical testing. Allele origin: germline.
Comment: This sequence change replaces leucine, which is neutral and non-polar, with proline, which is neutral and non-polar, at codon 660 of the ANKZF1 protein (p.Leu660Pro). This variant is present in population databases (no rsID available, gnomAD 0.0009%). This variant has not been reported in the literature in individuals affected with ANKZF1-related conditions. ClinVar contains an entry for this variant (Variation ID: 1969599). An algorithm developed to predict the effect of missense changes on protein structure and function (PolyPhen-2) suggests that this variant is likely to be disruptive. In summary, the available evidence is currently insufficient to determine the role of this variant in disease. Therefore, it has been classified as a Variant of Uncertain Significance.

NM_018089.3(ANKZF1):c.1979T>C (p.Leu660Pro)

Gene: ANKZF1 (ankyrin repeat and zinc finger peptidyl tRNA hydrolase 1; plus strand). Cytogenetic location: 2q35.
Variant type: single nucleotide variant.
Coding change: c.1979T>C on transcript NM_018089.3 (MANE Select); coding-DNA position 1979, T replaced by C.
Protein change: p.Leu660Pro; replaces leucine 660 with proline.
Molecular consequence: missense variant.
Genome position (GRCh38, 1-based): chr2:219,236,017, T>C. VCF-style: chr2-219236017-T-C. GRCh37 (hg19) VCF-style: chr2-220100739-T-C.
Other names: c.1979T>C, p.Leu660Pro (NM_001042410.2); c.1349T>C, p.Leu450Pro (NM_001282792.2); short protein forms L660P, L450P.
Identifiers: ClinVar variation 1969599 (VCV001969599.5), dbSNP rs1252649946, ClinGen allele CA350688518.